The following is an entry in ClinVar:

ClinVar aggregate classification (germline): Uncertain significance (1 of 4 stars; one submission).

Conditions:
Primary ciliary dyskinesia. Also called: Ciliary dyskinesia. Identifiers: Orphanet 244, MedGen C0008780, MONDO:0016575, HP:0012265.

Allele frequency attached by ClinVar (database versions not stated): ExAC 0.00001; gnomAD exomes 0.00001; gnomAD 0.00002; TOPMed 0.00002.
gnomAD v4.1: 14 of 1,613,960 alleles (0.00087%); highest among the groups gnomAD compares: African/African-American, 0.008%; no homozygotes.

Submission:

Labcorp Genetics (formerly Invitae), Labcorp
Classification: Uncertain significance for Primary ciliary dyskinesia. Last evaluated: 2022-11-01. Review status: criteria provided, single submitter. Criteria: Invitae Variant Classification Sherloc (09022015). Collection method: clinical testing. Allele origin: germline.
Comment: In summary, the available evidence is currently insufficient to determine the role of this variant in disease. Therefore, it has been classified as a Variant of Uncertain Significance. Algorithms developed to predict the effect of missense changes on protein structure and function output the following: SIFT: "Tolerated"; PolyPhen-2: "Benign"; Align-GVGD: "Class C0". The alanine amino acid residue is found in multiple mammalian species, which suggests that this missense change does not adversely affect protein function. This variant has not been reported in the literature in individuals affected with DRC1-related conditions. This variant is present in population databases (rs772128135, gnomAD 0.008%). This sequence change replaces threonine, which is neutral and polar, with alanine, which is neutral and non-polar, at codon 682 of the DRC1 protein (p.Thr682Ala).

NM_145038.5(DRC1):c.2044A>G (p.Thr682Ala)

Gene: DRC1 (dynein regulatory complex subunit 1; plus strand). Cytogenetic location: 2p23.3.
Variant type: single nucleotide variant.
Coding change: c.2044A>G on transcript NM_145038.5 (MANE Select); coding-DNA position 2044, A replaced by G.
Protein change: p.Thr682Ala; replaces threonine 682 with alanine.
Molecular consequence: missense variant.
Genome position (GRCh38, 1-based): chr2:26,454,771, A>G. VCF-style: chr2-26454771-A-G. GRCh37 (hg19) VCF-style: chr2-26677639-A-G.
Other names: short protein forms T682A.
Identifiers: ClinVar variation 1924397 (VCV001924397.3), dbSNP rs772128135, ClinGen allele CA1562477.
Genomic context (GRCh38, chr2:26,454,771, plus strand): 5'-TGGCAGGCCCTGACCACAGTGATCCCTTCCTCCAAGCAGAACCTCTGGGATGCCCTCTAC[A>G]CAGCCTTGGAGAAGTACCAGTAAGTGTGCATGTCATGGAGCAGGAGGGTGCTGGCGGGCA-3'
Protein context (NP_659475.2, residues 672-692): SKQNLWDALY[Thr682Ala]ALEKYHLVLT